The following is an entry in ClinVar:

NM_000059.4(BRCA2):c.5345A>G (p.Gln1782Arg)

Gene: BRCA2 (BRCA2 DNA repair associated; plus strand). Cytogenetic location: 13q13.1.
Variant type: single nucleotide variant.
Coding change: c.5345A>G on transcript NM_000059.4 (MANE Select); coding-DNA position 5345, A replaced by G.
Protein change: p.Gln1782Arg; replaces glutamine 1782 with arginine.
Molecular consequence: missense variant.
Genome position (GRCh38, 1-based): chr13:32,339,700, A>G. VCF-style: chr13-32339700-A-G. GRCh37 (hg19) VCF-style: chr13-32913837-A-G.
Other names: short protein forms Q1782R.
Identifiers: ClinVar variation 224461 (VCV000224461.8), dbSNP rs758959174, ClinGen allele CA10575922.
Genomic context (GRCh38, chr13:32,339,700, plus strand): 5'-ATCTCTCAAAAAATAAACTTGATTCTGGTATTGAGCCAGTATTGAAGAATGTTGAAGATC[A>G]AAAAAACACTAGTTTTTCCAAAGTAATATCCAATGTAAAAGATGCAAATGCATACCCACA-3'
Protein context (NP_000050.3, residues 1772-1792): IEPVLKNVED[Gln1782Arg]KNTSFSKVIS

ClinVar aggregate classification (germline): Conflicting classifications of pathogenicity. Review status: criteria provided, conflicting classifications (1 of 4 stars). 4 submissions from 4 submitters: Uncertain significance (2); Likely benign (2). Last evaluated 2023-03-23.

Conditions:
Breast neoplasm. Also called: Neoplasm of breast; Breast tumor; Neoplasm of the breast; Breast Neoplasms. Identifiers: MedGen C1458155, MeSH D001943, MONDO:0021100, HP:0100013. Disease mechanism: gain of function.
Hereditary cancer-predisposing syndrome. Also called: Tumor predisposition; Hereditary neoplastic syndrome; Neoplastic Syndromes, Hereditary; Hereditary Cancer Syndrome. Identifiers: Orphanet 140162, MedGen C0027672, MeSH D009386, MONDO:0015356.

Allele frequency attached by ClinVar (database versions not stated): TOPMed 0.00001.

Submissions (4):

University of Washington Department of Laboratory Medicine, University of Washington
Classification: Likely benign for Hereditary cancer-predisposing syndrome. Last evaluated: 2023-03-23. Review status: criteria provided, single submitter. Criteria: Dines et al. (Genet Med. 2020). Collection method: curation. Allele origin: germline.
Comment: Missense variant in a coldspot region where missense variants are very unlikely to be pathogenic (PMID:31911673).

BRCA2 exon 11 coldspot. Reclassification based on statistical prior probability.

Ambry Genetics
Classification: Likely benign for Hereditary cancer-predisposing syndrome. Last evaluated: 2021-03-03. Review status: criteria provided, single submitter. Criteria: Ambry Variant Classification Scheme 2023. Collection method: clinical testing. Allele origin: germline.

Color Diagnostics, LLC DBA Color Health
Classification: Uncertain significance for Hereditary cancer-predisposing syndrome. Last evaluated: 2019-04-19. Review status: criteria provided, single submitter. Criteria: ACMG Guidelines, 2015. Collection method: clinical testing. Allele origin: germline.

Laboratory of Molecular Diagnosis of Cancer, West China Hospital, Sichuan University
Classification: Uncertain significance for Breast neoplasm. Last evaluated: 2015-11-01. Review status: criteria provided, single submitter. Criteria: ACMG Guidelines, 2015. Collection method: research. Allele origin: germline. Affected: yes. Observed: 1 variant allele.

Literature cited by the submitters: PubMed 27257965 (cited by Ambry Genetics and Laboratory of Molecular Diagnosis of Cancer, West China Hospital, Sichuan University); PubMed 29884841 (cited by Ambry Genetics); PubMed 30702160 (cited by Ambry Genetics).